The following is an entry in ClinVar:

ClinVar aggregate classification (germline): Likely benign (1 of 4 stars; one submission).

Allele frequency attached by ClinVar (database versions not stated): gnomAD exomes 0.00001; gnomAD 0.00002; TOPMed 0.00002.
gnomAD v4.1: 22 of 1,610,858 alleles (0.0014%); highest among the groups gnomAD compares: Non-Finnish European, 0.0019%; no homozygotes.

Submission:

CeGaT Center for Human Genetics Tuebingen
Classification: Likely benign. Last evaluated: 2023-09-01. Review status: criteria provided, single submitter. Criteria: CeGaT Center For Human Genetics Tuebingen Variant Classification Criteria Version 2. Collection method: clinical testing. Allele origin: germline. Affected: yes. Observed: 1 variant allele.
Comment: ARID1A: BP4, BS2

NM_006015.6(ARID1A):c.5301A>T (p.Glu1767Asp)

Gene: ARID1A (AT-rich interaction domain 1A; plus strand). Cytogenetic location: 1p36.11.
Variant type: single nucleotide variant.
Coding change: c.5301A>T on transcript NM_006015.6 (MANE Select); coding-DNA position 5301, A replaced by T.
Protein change: p.Glu1767Asp; replaces glutamic acid 1767 with aspartic acid.
Molecular consequence: missense variant.
Genome position (GRCh38, 1-based): chr1:26,779,199, A>T. VCF-style: chr1-26779199-A-T. GRCh37 (hg19) VCF-style: chr1-27105690-A-T.
Other names: c.4650A>T, p.Glu1550Asp (NM_139135.4); short protein forms E1550D, E1767D.
Identifiers: ClinVar variation 2638543 (VCV002638543.24), dbSNP rs1352800918, ClinGen allele CA339184649.
Genomic context (GRCh38, chr1:26,779,199, plus strand): 5'-TGGGAGGTTCAGCAAGGTGTCTAGTCCAGCTCCCATGGAGGGTGGGGAAGAAGAAGAAGA[A>T]CTTCTAGGTCCTAAACTAGAAGAGGAAGAAGAAGAGGAAGTAGTTGAAAATGATGAGGAG-3'
Protein context (NP_006006.3, residues 1757-1777): APMEGGEEEE[Glu1767Asp]LLGPKLEEEE